The following is an entry in ClinVar:

ClinVar aggregate classification (germline): Uncertain significance. Review status: criteria provided, multiple submitters, no conflicts (2 of 4 stars). 4 submissions from 4 submitters: Uncertain significance (4). Last evaluated 2024-11-12.

Conditions:
Hereditary cancer-predisposing syndrome. Also called: Tumor predisposition; Neoplastic Syndromes, Hereditary; Hereditary Cancer Syndrome; Hereditary neoplastic syndrome. Identifiers: Orphanet 140162, MedGen C0027672, MeSH D009386, MONDO:0015356.
Peutz-Jeghers syndrome (PJS). Also called: Peutz-Jeghers polyposis; Periorificial lentiginosis syndrome; POLYPOSIS, HAMARTOMATOUS INTESTINAL; POLYPS-AND-SPOTS SYNDROME. Identifiers: Orphanet 2869, MedGen C0031269, MeSH D010580, MONDO:0008280, OMIM 175200.

Allele frequency attached by ClinVar (database versions not stated): gnomAD 0.00001; TOPMed 0.00001.
gnomAD v4.1: 4 of 1,562,144 alleles (0.00026%); highest among the groups gnomAD compares: Admixed American, 0.0019%; no homozygotes.

Submissions (4):

Ambry Genetics
Classification: Uncertain significance for Hereditary cancer-predisposing syndrome. Last evaluated: 2024-11-12. Review status: criteria provided, single submitter. Criteria: Ambry Variant Classification Scheme 2023. Collection method: clinical testing. Allele origin: germline.
Comment: The p.Y292C variant (also known as c.875A>G), located in coding exon 7 of the STK11 gene, results from an A to G substitution at nucleotide position 875. The tyrosine at codon 292 is replaced by cysteine, an amino acid with highly dissimilar properties. This amino acid position is well conserved in available vertebrate species. In addition, the in silico prediction for this alteration is inconclusive. Since supporting evidence is limited at this time, the clinical significance of this alteration remains unclear.

Labcorp Genetics (formerly Invitae), Labcorp
Classification: Uncertain significance for Peutz-Jeghers syndrome. Last evaluated: 2024-09-15. Review status: criteria provided, single submitter. Criteria: Invitae Variant Classification Sherloc (09022015). Collection method: clinical testing. Allele origin: germline.
Comment: This sequence change replaces tyrosine, which is neutral and polar, with cysteine, which is neutral and slightly polar, at codon 292 of the STK11 protein (p.Tyr292Cys). The frequency data for this variant in the population databases is considered unreliable, as metrics indicate poor data quality at this position in the gnomAD database. This variant has not been reported in the literature in individuals affected with STK11-related conditions. ClinVar contains an entry for this variant (Variation ID: 403778). Invitae Evidence Modeling of protein sequence and biophysical properties (such as structural, functional, and spatial information, amino acid conservation, physicochemical variation, residue mobility, and thermodynamic stability) indicates that this missense variant is not expected to disrupt STK11 protein function with a negative predictive value of 80%. In summary, the available evidence is currently insufficient to determine the role of this variant in disease. Therefore, it has been classified as a Variant of Uncertain Significance.

Color Diagnostics, LLC DBA Color Health
Classification: Uncertain significance for Hereditary cancer-predisposing syndrome. Last evaluated: 2024-03-06. Review status: criteria provided, single submitter. Criteria: ACMG Guidelines, 2015. Collection method: clinical testing. Allele origin: germline.
Comment: This missense variant replaces tyrosine with cysteine at codon 292 of the STK11 protein. Computational prediction is inconclusive regarding the impact of this variant on protein structure and function (internally defined REVEL score threshold 0.5 < inconclusive < 0.7, PMID: 27666373). To our knowledge, functional studies have not been reported for this variant. This variant has not been reported in individuals affected with STK11-related disorders in the literature. This variant has been identified in 1/170906 chromosomes in the general population by the Genome Aggregation Database (gnomAD). The available evidence is insufficient to determine the role of this variant in disease conclusively. Therefore, this variant is classified as a Variant of Uncertain Significance.

Genome-Nilou Lab
Classification: Uncertain significance for Peutz-Jeghers syndrome. Last evaluated: 2021-07-15. Review status: criteria provided, single submitter. Criteria: ACMG Guidelines, 2015. Collection method: clinical testing. Allele origin: germline. Affected: no.

NM_000455.5(STK11):c.875A>G (p.Tyr292Cys)

Gene: STK11 (serine/threonine kinase 11; plus strand). Cytogenetic location: 19p13.3.
Variant type: single nucleotide variant.
Coding change: c.875A>G on transcript NM_000455.5 (MANE Select); coding-DNA position 875, A replaced by G.
Protein change: p.Tyr292Cys; replaces tyrosine 292 with cysteine.
Molecular consequence: missense variant.
Genome position (GRCh38, 1-based): chr19:1,221,961, A>G. VCF-style: chr19-1221961-A-G. GRCh37 (hg19) VCF-style: chr19-1221960-A-G.
Other names: short protein forms Y292C.
Identifiers: ClinVar variation 403778 (VCV000403778.18), dbSNP rs587780011, ClinGen allele CA16616231.
Genomic context (GRCh38, chr19:1,221,961, plus strand): 5'-TCTCAGGCCTGTGCCCAGCTGACAGGCTCCTCGCCGGCTTCTCCTCAGGGATGCTTGAGT[A>G]CGAACCGGCCAAGAGGTTCTCCATCCGGCAGATCCGGCAGCACAGGTGAGCGGCCCCTGG-3'
Protein context (NP_000446.1, residues 282-302): LSDLLKGMLE[Tyr292Cys]EPAKRFSIRQ